The following is an entry in ClinVar:

NM_003738.5(PTCH2):c.3161C>A (p.Ala1054Asp)

Gene: PTCH2 (patched 2; minus strand). Cytogenetic location: 1p34.1.
Variant type: single nucleotide variant.
Coding change: c.3161C>A on transcript NM_003738.5 (MANE Select); coding-DNA position 3161, C replaced by A.
Protein change: p.Ala1054Asp; replaces alanine 1054 with aspartic acid.
Molecular consequence: missense variant.
Genome position (GRCh38, 1-based): chr1:44,823,339, G>T on the plus strand (C>A on the coding strand, the complement: PTCH2 is on the minus strand). VCF-style: chr1-44823339-G-T. GRCh37 (hg19) VCF-style: chr1-45289011-G-T.
Other names: c.3161C>A, p.Ala1054Asp (NM_001166292.2); short protein forms A1054D.
Identifiers: ClinVar variation 1928246 (VCV001928246.5), dbSNP rs1208262825, ClinGen allele CA340107033.

ClinVar aggregate classification (germline): Uncertain significance (1 of 4 stars; one submission).

Conditions:
Gorlin syndrome. Also called: Basal cell nevus syndrome; Nevoid Basal Cell Carcinoma Syndrome. Identifiers: Orphanet 377, MedGen C0004779, MONDO:0007187.

Submission:

Labcorp Genetics (formerly Invitae), Labcorp
Classification: Uncertain significance for Gorlin syndrome. Last evaluated: 2022-05-20. Review status: criteria provided, single submitter. Criteria: Invitae Variant Classification Sherloc (09022015). Collection method: clinical testing. Allele origin: germline.
Comment: This sequence change replaces alanine, which is neutral and non-polar, with aspartic acid, which is acidic and polar, at codon 1054 of the PTCH2 protein (p.Ala1054Asp). Algorithms developed to predict the effect of missense changes on protein structure and function are either unavailable or do not agree on the potential impact of this missense change (SIFT: "Tolerated"; PolyPhen-2: "Possibly Damaging"; Align-GVGD: "Class C0"). This variant has not been reported in the literature in individuals affected with PTCH2-related conditions. This variant is not present in population databases (gnomAD no frequency). In summary, the available evidence is currently insufficient to determine the role of this variant in disease. Therefore, it has been classified as a Variant of Uncertain Significance.